The following is an entry in ClinVar:

NM_018706.7(DHTKD1):c.1031A>G (p.Glu344Gly)

Gene: DHTKD1 (dehydrogenase E1 and transketolase domain containing 1; plus strand). Cytogenetic location: 10p14.
Variant type: single nucleotide variant.
Coding change: c.1031A>G on transcript NM_018706.7 (MANE Select); coding-DNA position 1031, A replaced by G.
Protein change: p.Glu344Gly; replaces glutamic acid 344 with glycine.
Molecular consequence: missense variant.
Genome position (GRCh38, 1-based): chr10:12,091,556, A>G. VCF-style: chr10-12091556-A-G. GRCh37 (hg19) VCF-style: chr10-12133555-A-G.
Other names: short protein forms E344G.
Identifiers: ClinVar variation 3671890 (VCV003671890.2).

ClinVar aggregate classification (germline): Uncertain significance (1 of 4 stars; one submission).

Conditions:
2-aminoadipic 2-oxoadipic aciduria (AAKAD). Also called: Aminoadipic aciduria; ALPHA-AMINOADIPIC AND ALPHA-KETOADIPIC ACIDURIA. Identifiers: Orphanet 79154, MedGen C1859817, MONDO:0008774, OMIM 204750.

gnomAD v4.1: 15 of 1,612,390 alleles (0.00093%); highest among the groups gnomAD compares: Non-Finnish European, 0.000085%; no homozygotes.

Submission:

Labcorp Genetics (formerly Invitae), Labcorp
Classification: Uncertain significance for 2-aminoadipic 2-oxoadipic aciduria. Last evaluated: 2024-06-06. Review status: criteria provided, single submitter. Criteria: Invitae Variant Classification Sherloc (09022015). Collection method: clinical testing. Allele origin: germline.
Comment: This sequence change replaces glutamic acid, which is acidic and polar, with glycine, which is neutral and non-polar, at codon 344 of the DHTKD1 protein (p.Glu344Gly). This variant is present in population databases (rs771758553, gnomAD 0.0009%). This variant has not been reported in the literature in individuals affected with DHTKD1-related conditions. Advanced modeling of protein sequence and biophysical properties (such as structural, functional, and spatial information, amino acid conservation, physicochemical variation, residue mobility, and thermodynamic stability) performed at Invitae indicates that this missense variant is expected to disrupt DHTKD1 protein function with a positive predictive value of 80%. In summary, the available evidence is currently insufficient to determine the role of this variant in disease. Therefore, it has been classified as a Variant of Uncertain Significance.